The following is an entry in ClinVar:

ClinVar aggregate classification (germline): Conflicting classifications of pathogenicity. Review status: criteria provided, conflicting classifications (1 of 4 stars). 2 submissions from 2 submitters: Uncertain significance (1); Likely benign (1). Last evaluated 2025-08-29.

Submissions (2):

Labcorp Genetics (formerly Invitae), Labcorp
Classification: Likely benign. Last evaluated: 2025-08-29. Review status: criteria provided, single submitter. Criteria: Invitae Variant Classification Sherloc (09022015). Collection method: clinical testing. Allele origin: germline.

GeneDx
Classification: Uncertain significance. Last evaluated: 2025-06-11. Review status: criteria provided, single submitter. Criteria: GeneDx Variant Classification Process June 2021. Collection method: clinical testing. Allele origin: germline. Affected: yes.
Comment: In silico analysis suggests that this variant does not alter splicing; Has not been previously published as pathogenic or benign to our knowledge

NM_001098671.2(RASGRP2):c.240-7C>T

Gene: RASGRP2 (RAS guanyl releasing protein 2; minus strand). Cytogenetic location: 11q13.1.
Variant type: single nucleotide variant.
Coding change: c.240-7C>T on transcript NM_001098671.2 (MANE Select); 7 bases into the intron before coding-DNA position 240, C replaced by T.
Molecular consequence: intron variant.
Genome position (GRCh38, 1-based): chr11:64,741,086, G>A on the plus strand (C>T on the coding strand, the complement: RASGRP2 is on the minus strand). VCF-style: chr11-64741086-G-A. GRCh37 (hg19) VCF-style: chr11-64508558-G-A.
Other names: c.240-7C>T (NM_153819.2, NM_001440690.1, NM_001440698.1 and 12 more transcripts); c.327-7C>T (NM_001440705.1, NM_001440703.1, NM_001440704.1); c.-196-7C>T (NM_001318398.2).
Identifiers: ClinVar variation 4538172 (VCV004538172.2).